The following is an entry in ClinVar:

NM_006265.3(RAD21):c.1651del (p.Gln551fs)

Gene: RAD21 (RAD21 cohesin complex component; minus strand). Cytogenetic location: 8q24.11.
Variant type: Deletion.
Coding change: c.1651del on transcript NM_006265.3 (MANE Select); coding-DNA position 1651, one base deleted (C; older notation c.1651delC).
Protein change: p.Gln551fs; shifts the reading frame from glutamine 551.
Molecular consequence: frameshift variant.
Genome position (GRCh38, 1-based): chr8:116,848,999, G deleted on the plus strand (C on the coding strand, the reverse complement: RAD21 is on the minus strand). VCF-style (leftmost placement, unchanged base first): chr8-116848998-TG-T. GRCh37 (hg19) VCF-style: chr8-117861237-TG-T.
Other names: c.1651delC (NM_006265.2); short protein forms Q551fs.
Identifiers: ClinVar variation 418706 (VCV000418706.2), dbSNP rs1064793380, ClinGen allele CA16618585.

ClinVar aggregate classification (germline): Pathogenic (1 of 4 stars; one submission).

Submission:

GeneDx
Classification: Pathogenic. Last evaluated: 2015-03-24. Review status: criteria provided, single submitter. Criteria: GeneDx Variant Classification (06012015). Collection method: clinical testing. Allele origin: germline. Affected: yes.
Comment: The c.1651delC variant in the RAD21 gene has not been reported previously as a pathogenic variant nor as a benign polymorphism to our knowledge. The c.1651delC variant is predicted to cause loss of normal protein function through protein truncation. The c.1651delC deletion was not observed in approximately 6500 individuals of European and African American ancestry in the NHLBI Exome Sequencing Project, indicating it is not a common benign variant in these populations. Weinterpret c.1651delC as a pathogenic variant.